The following is an entry in ClinVar:

NM_001042492.3(NF1):c.5837del (p.Leu1946fs)

Gene: NF1 (neurofibromin 1; plus strand). Cytogenetic location: 17q11.2.
Variant type: Deletion.
Coding change: c.5837del on transcript NM_001042492.3 (MANE Select); coding-DNA position 5837, one base deleted (T; older notation c.5837delT).
Protein change: p.Leu1946fs; shifts the reading frame from leucine 1946.
Molecular consequence: frameshift variant.
Genome position (GRCh38, 1-based): chr17:31,334,862, T deleted; the last of 3 consecutive T bases (chr17:31,334,860-31,334,862); deleting any one gives the same sequence. VCF-style (leftmost placement, unchanged base first): chr17-31334859-GT-G. GRCh37 (hg19) VCF-style: chr17-29661877-GT-G.
Other names: c.5774delT, p.Leu1925Trpfs (NM_000267.4); short protein forms L1925fs, L1946fs.
Identifiers: ClinVar variation 984422 (VCV000984422.11), dbSNP rs2069601882, ClinGen allele CA499233685.

ClinVar aggregate classification (germline): Pathogenic. Review status: criteria provided, multiple submitters, no conflicts (2 of 4 stars). 4 submissions from 4 submitters: Pathogenic (4). Last evaluated 2026-08-05.

Conditions:
Neurofibromatosis, type 1 (NF1). Also called: NEUROFIBROMATOSIS, TYPE I, SOMATIC; VON RECKLINGHAUSEN DISEASE; Peripheral type neurofibromatosis; Neurofibromatosis, type I. Identifiers: Orphanet 636, MedGen C0027831, MONDO:0018975, OMIM 162200. Disease mechanism: loss of function.

Submissions (4):

GeneDx
Classification: Pathogenic. Last evaluated: 2026-08-05. Review status: criteria provided, single submitter. Criteria: GeneDx Variant Classification Process June 2021. Collection method: clinical testing. Allele origin: germline.
Comment: Frameshift variant predicted to result in protein truncation or nonsense mediated decay in a gene for which loss of function is a known mechanism of disease; Not observed at significant frequency in large population cohorts (gnomAD); This variant is associated with the following publications: (PMID: 31776437)

Labcorp Genetics (formerly Invitae), Labcorp
Classification: Pathogenic for Neurofibromatosis, type 1. Last evaluated: 2025-11-10. Review status: criteria provided, single submitter. Criteria: Invitae Variant Classification Sherloc (09022015). Collection method: clinical testing. Allele origin: germline.
Comment: This sequence change creates a premature translational stop signal (p.Leu1925Trpfs*4) in the NF1 gene. It is expected to result in an absent or disrupted protein product. Loss-of-function variants in NF1 are known to be pathogenic (PMID: 10712197, 23913538). This variant is not present in population databases (gnomAD no frequency). This premature translational stop signal has been observed in individual(s) with neurofibromatosis type 1 (PMID: 31776437). ClinVar contains an entry for this variant (Variation ID: 984422). For these reasons, this variant has been classified as Pathogenic.

Genome-Nilou Lab
Classification: Pathogenic for Neurofibromatosis, type 1. Last evaluated: 2022-03-15. Review status: criteria provided, single submitter. Criteria: ACMG Guidelines, 2015. Collection method: clinical testing. Allele origin: germline. Affected: no.

Swedish Neurofibromatosis Center, Swedish Medical Center
Classification: Pathogenic for Neurofibromatosis, type 1. Last evaluated: 2020-11-02. Review status: criteria provided, single submitter. Criteria: ACMG Guidelines, 2015. Collection method: clinical testing. Allele origin: germline. Inheritance: Autosomal dominant inheritance. Affected: yes. Observed: 1 heterozygote.
Comment: PVS1 - Null variant (frame shift) PM2 -Variant not found in gnomAD exomes PP3 - Pathogenic computational verdict based on 1 pathogenic prediction from GERP vs no benign predictions.

Literature cited by the submitters: PubMed 10712197 (cited by Labcorp Genetics (formerly Invitae), Labcorp); PubMed 23913538 (cited by Labcorp Genetics (formerly Invitae), Labcorp); PubMed 31776437 (cited by Labcorp Genetics (formerly Invitae), Labcorp).